The following is an entry in ClinVar:

ClinVar aggregate classification (germline): Uncertain significance (1 of 4 stars; one submission).

Conditions:
MHC class II deficiency. Also called: Bare lymphocyte syndrome 2; BLS, TYPE II. Identifiers: Orphanet 572, MedGen C5447452, MONDO:0008855.

gnomAD v4.1: 2 of 1,614,148 alleles (0.00012%); highest among the groups gnomAD compares: Non-Finnish European, 0.00017%; no homozygotes.

Submission:

Labcorp Genetics (formerly Invitae), Labcorp
Classification: Uncertain significance for MHC class II deficiency. Last evaluated: 2021-08-30. Review status: criteria provided, single submitter. Criteria: Invitae Variant Classification Sherloc (09022015). Collection method: clinical testing. Allele origin: germline.
Comment: This sequence change replaces glycine with arginine at codon 372 of the RFX5 protein (p.Gly372Arg). The glycine residue is moderately conserved and there is a moderate physicochemical difference between glycine and arginine. This variant is not present in population databases (ExAC no frequency). This variant has not been reported in the literature in individuals affected with RFX5-related conditions. Algorithms developed to predict the effect of missense changes on protein structure and function output the following: SIFT: "Deleterious"; PolyPhen-2: "Benign"; Align-GVGD: "Class C0". The arginine amino acid residue is found in multiple mammalian species, which suggests that this missense change does not adversely affect protein function. In summary, the available evidence is currently insufficient to determine the role of this variant in disease. Therefore, it has been classified as a Variant of Uncertain Significance.

NM_001025603.2(RFX5):c.1114G>C (p.Gly372Arg)

Gene: RFX5 (regulatory factor X5; minus strand). Cytogenetic location: 1q21.3.
Variant type: single nucleotide variant.
Coding change: c.1114G>C on transcript NM_001025603.2 (MANE Select); coding-DNA position 1114, G replaced by C.
Protein change: p.Gly372Arg; replaces glycine 372 with arginine.
Molecular consequence: missense variant.
Genome position (GRCh38, 1-based): chr1:151,342,923, C>G on the plus strand (G>C on the coding strand, the complement: RFX5 is on the minus strand). VCF-style: chr1-151342923-C-G. GRCh37 (hg19) VCF-style: chr1-151315399-C-G.
Other names: c.1114G>C, p.Gly372Arg (NM_000449.4, NM_001379412.1, NM_001379413.1 and 5 more transcripts); c.994G>C, p.Gly332Arg (NM_001379419.1, NM_001379420.1); short protein forms G372R, G332R.
Identifiers: ClinVar variation 643298 (VCV000643298.6), dbSNP rs968244065, ClinGen allele CA341929515.